The following is an entry in ClinVar:

ClinVar aggregate classification (germline): Uncertain significance. Review status: criteria provided, multiple submitters, no conflicts (2 of 4 stars). 2 submissions from 2 submitters: Uncertain significance (2). Last evaluated 2026-05-01.

Allele frequency attached by ClinVar (database versions not stated): gnomAD 0.00004 and 0.00005; TOPMed 0.00004; gnomAD exomes 0.00007; 1000 Genomes Project 30x 0.00016; ExAC 0.00018; 1000 Genomes Project 0.00020; ESP Exome Variant Server 0.00044.
gnomAD v4.1: 65 of 1,551,624 alleles (0.0042%); highest among the groups gnomAD compares: Non-Finnish European, 0.0044%; no homozygotes.

Submissions (2):

CeGaT Center for Human Genetics Tuebingen
Classification: Uncertain significance. Last evaluated: 2026-05-01. Review status: criteria provided, single submitter. Criteria: CeGaT Center For Human Genetics Tuebingen Variant Classification Criteria Version 2. Collection method: clinical testing. Allele origin: germline. Affected: yes. Observed: 2 variant alleles.
Comment: DYSF: PM2, PM3:Supporting, BP4

Blueprint Genetics
Classification: Uncertain significance. Last evaluated: 2024-03-01. Review status: criteria provided, single submitter. Criteria: ACMG Guidelines, 2015. Collection method: clinical testing. Allele origin: germline.

NM_001130987.2(DYSF):c.4481C>T (p.Ser1494Leu)

Gene: DYSF (dysferlin; plus strand). Cytogenetic location: 2p13.2.
Variant type: single nucleotide variant.
Coding change: c.4481C>T on transcript NM_001130987.2 (MANE Select); coding-DNA position 4481, C replaced by T.
Protein change: p.Ser1494Leu; replaces serine 1494 with leucine.
Molecular consequence: missense variant. On other transcripts: intron variant (8).
Genome position (GRCh38, 1-based): chr2:71,620,563, C>T. VCF-style: chr2-71620563-C-T. GRCh37 (hg19) VCF-style: chr2-71847693-C-T.
Other names: c.4385C>T, p.Ser1462Leu (NM_001130977.2); c.4427C>T, p.Ser1476Leu (NM_001130978.2); c.4478C>T, p.Ser1493Leu (NM_001130981.2); c.4430C>T, p.Ser1477Leu (NM_001130983.2); c.4388C>T, p.Ser1463Leu (NM_001130984.2); c.4503+7153C>T (NM_001130979.2); c.4461+7153C>T (NM_001130980.2); c.4410+7153C>T (NM_003494.4); and 5 more; short protein forms S1476L, S1477L, S1494L, S1462L, S1463L, S1493L.
Identifiers: ClinVar variation 808766 (VCV000808766.43), dbSNP rs370898927, ClinGen allele CA1707027.
Genomic context (GRCh38, chr2:71,620,563, plus strand): 5'-TGGGTTCTCTAATCCTGTTGCTAACCAGCATGTTTCATTTGTAGCTTGCAGACGGTCTGT[C>T]GAGCTTGGCCCCCACTAACACGGCTTCTCCTCCATCCAGTCCTCATGTATGTACTGTTTA-3'
Protein context (NP_001124459.1, residues 1484-1504): LIPIQLADGL[Ser1494Leu]SLAPTNTASP